The following is an entry in ClinVar:

NM_004714.3(DYRK1B):c.1777C>T (p.Arg593Trp)

Gene: DYRK1B (dual specificity tyrosine phosphorylation regulated kinase 1B; minus strand). Cytogenetic location: 19q13.2.
Variant type: single nucleotide variant.
Coding change: c.1777C>T on transcript NM_004714.3 (MANE Select); coding-DNA position 1777, C replaced by T.
Protein change: p.Arg593Trp; replaces arginine 593 with tryptophan.
Molecular consequence: missense variant.
Genome position (GRCh38, 1-based): chr19:39,825,828, G>A on the plus strand (C>T on the coding strand, the complement: DYRK1B is on the minus strand). VCF-style: chr19-39825828-G-A. GRCh37 (hg19) VCF-style: chr19-40316468-G-A.
Other names: c.1657C>T, p.Arg553Trp (NM_006483.3); c.1693C>T, p.Arg565Trp (NM_006484.3); c.1777C>T (NM_004714.1); short protein forms R553W, R565W, R593W.
Identifiers: ClinVar variation 2629937 (VCV002629937.4), dbSNP rs377489900, ClinGen allele CA9433922.

ClinVar aggregate classification (germline): Uncertain significance. Review status: criteria provided, multiple submitters, no conflicts (2 of 4 stars). 2 submissions from 2 submitters: Uncertain significance (2). Last evaluated 2026-07-21.

Conditions:
DYRK1B-related disorder. Also called: DYRK1B-related condition.
Inborn genetic diseases. Identifiers: MedGen C0950123, MeSH D030342.

Allele frequency attached by ClinVar (database versions not stated): gnomAD 0.00005; ESP Exome Variant Server 0.00008; gnomAD exomes 0.00008; TOPMed 0.00009; 1000 Genomes Project 0.00020; 1000 Genomes Project 30x 0.00031.
gnomAD v4.1: 128 of 1,609,864 alleles (0.008%); highest among the groups gnomAD compares: Non-Finnish European, 0.0096%; no homozygotes.

Submissions (2):

PreventionGenetics, part of Exact Sciences
Classification: Uncertain significance for DYRK1B-related condition. Last evaluated: 2026-07-21. Review status: criteria provided, single submitter. Criteria: ACMG Guidelines, 2015. Collection method: clinical testing. Allele origin: germline.
Comment: The DYRK1B c.1777C>T variant is predicted to result in the amino acid substitution p.Arg593Trp. To our knowledge, this variant has not been reported in the literature. This variant is reported in 0.0044% of alleles in individuals of African descent in gnomAD. Although we suspect that this variant may be benign, at this time, the clinical significance of this variant is uncertain due to the absence of conclusive functional and genetic evidence.

Ambry Genetics
Classification: Uncertain significance for Inborn genetic diseases. Last evaluated: 2024-11-21. Review status: criteria provided, single submitter. Criteria: Ambry Variant Classification Scheme 2023. Collection method: clinical testing. Allele origin: germline.